The following is an entry in ClinVar:

NM_006258.4(PRKG1):c.478+304C>T

Gene: PRKG1 (protein kinase cGMP-dependent 1; plus strand). Cytogenetic location: 10q21.1.
Variant type: single nucleotide variant.
Coding change: c.478+304C>T on transcript NM_006258.4 (MANE Select); 304 bases into the intron after coding-DNA position 478, C replaced by T.
Molecular consequence: intron variant.
Genome position (GRCh38, 1-based): chr10:51,153,634, C>T. VCF-style: chr10-51153634-C-T. GRCh37 (hg19) VCF-style: chr10-52913394-C-T.
Other names: c.433+304C>T (NM_001098512.3).
Identifiers: ClinVar variation 674063 (VCV000674063.1), dbSNP rs115175554, ClinGen allele CA207075969.

ClinVar aggregate classification (germline): Likely benign (1 of 4 stars; one submission).

Allele frequency attached by ClinVar (database versions not stated): gnomAD 0.00412 and 0.00444; 1000 Genomes Project 0.00439; 1000 Genomes Project 30x 0.00453; TOPMed 0.00475.
gnomAD v4.1: 624 of 152,114 alleles (0.41%); highest among the groups gnomAD compares: African/African-American, 1.4%; 7 homozygotes.

Submission:

GeneDx
Classification: Likely benign. Last evaluated: 2018-06-19. Review status: criteria provided, single submitter. Criteria: GeneDx Variant Classification (06012015). Collection method: clinical testing. Allele origin: germline. Affected: yes.
Comment: This variant is considered likely benign or benign based on one or more of the following criteria: it is a conservative change, it occurs at a poorly conserved position in the protein, it is predicted to be benign by multiple in silico algorithms, and/or has population frequency not consistent with disease.